The following is an entry in ClinVar:

NM_001903.5(CTNNA1):c.2667G>T (p.Lys889Asn)

Gene: CTNNA1 (catenin alpha 1; plus strand). Cytogenetic location: 5q31.2.
Variant type: single nucleotide variant.
Coding change: c.2667G>T on transcript NM_001903.5 (MANE Select); coding-DNA position 2667, G replaced by T.
Protein change: p.Lys889Asn; replaces lysine 889 with asparagine.
Molecular consequence: missense variant. On other transcripts: 3 prime UTR variant (5).
Genome position (GRCh38, 1-based): chr5:138,934,035, G>T. VCF-style: chr5-138934035-G-T. GRCh37 (hg19) VCF-style: chr5-138269724-G-T.
Other names: c.*212G>T (NM_001290307.3, NM_001324002.1, NM_001324003.1 and 2 more transcripts); c.2358G>T, p.Lys786Asn (NM_001290309.3); c.2298G>T, p.Lys766Asn (NM_001290310.3); c.1557G>T, p.Lys519Asn (NM_001290312.1, NM_001323987.1, NM_001323988.1 and 12 more transcripts); c.2667G>T, p.Lys889Asn (NM_001323982.2, NM_001323983.1, NM_001323984.2); c.2640G>T, p.Lys880Asn (NM_001323985.2); c.2574G>T, p.Lys858Asn (NM_001323986.2); c.1422G>T, p.Lys474Asn (NM_001324001.1); and 3 more; short protein forms K519N, K889N, K438N, K488N, K858N, K474N, K880N, K406N.
Identifiers: ClinVar variation 1504169 (VCV001504169.8), dbSNP rs2150360221, ClinGen allele CA361135730.

ClinVar aggregate classification (germline): Uncertain significance (1 of 4 stars; one submission).

Submission:

Labcorp Genetics (formerly Invitae), Labcorp
Classification: Uncertain significance. Last evaluated: 2021-02-11. Review status: criteria provided, single submitter. Criteria: Invitae Variant Classification Sherloc (09022015). Collection method: clinical testing. Allele origin: germline.
Comment: In summary, the available evidence is currently insufficient to determine the role of this variant in disease. Therefore, it has been classified as a Variant of Uncertain Significance. Algorithms developed to predict the effect of missense changes on protein structure and function are either unavailable or do not agree on the potential impact of this missense change (SIFT: "Deleterious"; PolyPhen-2: "Possibly Damaging"; Align-GVGD: "Class C0"). This variant has not been reported in the literature in individuals with CTNNA1-related conditions. This variant is not present in population databases (ExAC no frequency). This sequence change replaces lysine with asparagine at codon 889 of the CTNNA1 protein (p.Lys889Asn). The lysine residue is highly conserved and there is a moderate physicochemical difference between lysine and asparagine.